The following is an entry in ClinVar:

GRCh37/hg19 15q21.1(chr15:48777571-48791235)

Gene: FBN1 (fibrillin 1; minus strand). Cytogenetic location: 15q21.1.
Variant type: copy number loss.
Identifiers: ClinVar variation 1325461 (VCV001325461.2).

ClinVar aggregate classification (germline): Likely pathogenic (1 of 4 stars; one submission).

Conditions:
Marfan syndrome (MFS). Also called: Marfan syndrome type 1; Marfan's syndrome; FBN1-Related Marfan Syndrome; MARFAN SYNDROME, TYPE I; Marfan syndrome, classic. Identifiers: Orphanet 284963, Orphanet 558, MedGen C0024796, MONDO:0007947, OMIM 154700.

Submission:

Centre of Medical Genetics, University of Antwerp
Classification: Likely pathogenic for Marfan syndrome. Last evaluated: 2021-03-01. Review status: criteria provided, single submitter. Criteria: Submitter's publication. Collection method: research. Allele origin: unknown. Affected: yes.
Comment: PM2, PS7, PP4